The following is an entry in ClinVar:

ClinVar aggregate classification (germline): Uncertain significance (1 of 4 stars; one submission).

Conditions:
Cardiovascular phenotype. Identifiers: MedGen CN230736.

gnomAD v4.1: 1 of 1,614,092 alleles (0.000062%); highest among the groups gnomAD compares: Admixed American, 0.0017%; no homozygotes.

Submission:

Molecular Diagnostic Laboratory for Inherited Cardiovascular Disease, Montreal Heart Institute
Classification: Uncertain significance for Cardiovascular phenotype. Last evaluated: 2026-03-27. Review status: criteria provided, single submitter. Criteria: ACMG Guidelines, 2015. Collection method: clinical testing. Allele origin: germline. Affected: yes.
Comment: PM2, BP1

NM_053025.4(MYLK):c.164G>T (p.Arg55Leu)

Genes: MYLK (myosin light chain kinase; minus strand), LOC126806792 (CDK7 strongly-dependent group 2 enhancer GRCh37_chr3:123511339-123512538; plus strand). Cytogenetic location: 3q21.1.
Variant type: single nucleotide variant.
Coding change: c.164G>T on transcript NM_053025.4 (MANE Select); coding-DNA position 164, G replaced by T.
Protein change: p.Arg55Leu; replaces arginine 55 with leucine.
Molecular consequence: missense variant. On other transcripts: 5 prime UTR variant (1).
Genome position (GRCh38, 1-based): chr3:123,793,678, C>A on the plus strand (G>T on the coding strand, the complement: MYLK is on the minus strand). VCF-style: chr3-123793678-C-A. GRCh37 (hg19) VCF-style: chr3-123512525-C-A.
Other names: c.164G>T, p.Arg55Leu (NM_053026.4, NM_053027.4, NM_053028.4); c.-157G>T (NM_001321309.2); short protein forms R55L.
Identifiers: ClinVar variation 4820443 (VCV004820443.1), dbSNP rs768984022.